The following is an entry in ClinVar:

ClinVar aggregate classification (germline): Benign (0 of 4 stars; one submission).

Conditions:
ATP2A3-related disorder. Also called: ATP2A3-related condition.

Allele frequency attached by ClinVar (database versions not stated): gnomAD exomes 0.00069; ExAC 0.00200; ESP Exome Variant Server 0.00615; gnomAD 0.00671; TOPMed 0.00794; 1000 Genomes Project 0.00978; 1000 Genomes Project 30x 0.01077.
gnomAD v4.1: 2,118 of 1,614,104 alleles (0.13%); highest among the groups gnomAD compares: African/African-American, 2.4%; 19 homozygotes.

Submission:

PreventionGenetics, part of Exact Sciences
Classification: Benign for ATP2A3-related condition. Last evaluated: 2019-02-21. Review status: no assertion criteria provided. Collection method: clinical testing. Allele origin: germline.
Comment: This variant is classified as benign based on ACMG/AMP sequence variant interpretation guidelines (Richards et al. 2015 PMID: 25741868, with internal and published modifications).

NM_005173.4(ATP2A3):c.1372G>A (p.Asp458Asn)

Gene: ATP2A3 (ATPase sarcoplasmic/endoplasmic reticulum Ca2+ transporting 3; minus strand). Cytogenetic location: 17p13.2.
Variant type: single nucleotide variant.
Coding change: c.1372G>A on transcript NM_005173.4 (MANE Select); coding-DNA position 1372, G replaced by A.
Protein change: p.Asp458Asn; replaces aspartic acid 458 with asparagine.
Molecular consequence: missense variant.
Genome position (GRCh38, 1-based): chr17:3,943,438, C>T on the plus strand (G>A on the coding strand, the complement: ATP2A3 is on the minus strand). VCF-style: chr17-3943438-C-T. GRCh37 (hg19) VCF-style: chr17-3846732-C-T.
Other names: c.1372G>A, p.Asp458Asn (NM_174953.3, NM_174954.3, NM_174955.3 and 3 more transcripts); short protein forms D458N.
Identifiers: ClinVar variation 3041730 (VCV003041730.2), dbSNP rs9913158, ClinGen allele CA8297233.